The following is an entry in ClinVar:

NM_153026.3(PRICKLE1):c.1425G>T (p.Gln475His)

Gene: PRICKLE1 (prickle planar cell polarity protein 1; minus strand). Cytogenetic location: 12q12.
Variant type: single nucleotide variant.
Coding change: c.1425G>T on transcript NM_153026.3 (MANE Select); coding-DNA position 1425, G replaced by T.
Protein change: p.Gln475His; replaces glutamine 475 with histidine.
Molecular consequence: missense variant.
Genome position (GRCh38, 1-based): chr12:42,464,609, C>A on the plus strand (G>T on the coding strand, the complement: PRICKLE1 is on the minus strand). VCF-style: chr12-42464609-C-A. GRCh37 (hg19) VCF-style: chr12-42858411-C-A.
Other names: c.1425G>T, p.Gln475His (NM_001144881.2, NM_001144882.2, NM_001144883.2); short protein forms Q475H.
Identifiers: ClinVar variation 935041 (VCV000935041.9), dbSNP rs1938007089, ClinGen allele CA384441717.

ClinVar aggregate classification (germline): Uncertain significance (1 of 4 stars; one submission).

Conditions:
Epilepsy, progressive myoclonic, 1B. Also called: PME. Identifiers: Orphanet 308, MedGen C2676254, MONDO:0012904, OMIM 612437.

Allele frequency attached by ClinVar (database versions not stated): gnomAD exomes below 0.00001.
gnomAD v4.1: 3 of 1,613,972 alleles (0.00019%); highest among the groups gnomAD compares: Non-Finnish European, 0.00025%; no homozygotes.

Submission:

Labcorp Genetics (formerly Invitae), Labcorp
Classification: Uncertain significance for Epilepsy, progressive myoclonic, 1B. Last evaluated: 2019-10-02. Review status: criteria provided, single submitter. Criteria: Invitae Variant Classification Sherloc (09022015). Collection method: clinical testing. Allele origin: germline.
Comment: This variant has not been reported in the literature in individuals with PRICKLE1-related conditions. Algorithms developed to predict the effect of missense changes on protein structure and function are either unavailable or do not agree on the potential impact of this missense change (SIFT: "Deleterious"; PolyPhen-2: "Probably Damaging"; Align-GVGD: "Class C15"). In summary, the available evidence is currently insufficient to determine the role of this variant in disease. Therefore, it has been classified as a Variant of Uncertain Significance. This sequence change replaces glutamine with histidine at codon 475 of the PRICKLE1 protein (p.Gln475His). The glutamine residue is highly conserved and there is a small physicochemical difference between glutamine and histidine. This variant is not present in population databases (ExAC no frequency).